The following is an entry in ClinVar:

NM_001379200.1(TBX1):c.351C>T (p.Ala117=)

Gene: TBX1 (T-box transcription factor 1; plus strand). Cytogenetic location: 22q11.21.
Variant type: single nucleotide variant.
Coding change: c.351C>T on transcript NM_001379200.1 (MANE Select); coding-DNA position 351, C replaced by T.
Protein change: p.Ala117=; no amino-acid change (alanine 117 retained).
Molecular consequence: synonymous variant.
Genome position (GRCh38, 1-based): chr22:19,761,194, C>T. VCF-style: chr22-19761194-C-T. GRCh37 (hg19) VCF-style: chr22-19748717-C-T.
Other names: c.324C>T, p.Ala108= (NM_005992.1, NM_080646.2, NM_080647.1).
Identifiers: ClinVar variation 626178 (VCV000626178.5), dbSNP rs757290764, ClinGen allele CA10102401.

ClinVar aggregate classification (germline): Conflicting classifications of pathogenicity. Review status: criteria provided, conflicting classifications (1 of 4 stars). 2 submissions from 2 submitters: Uncertain significance (1); Likely benign (1). Last evaluated 2019-12-23.

Conditions:
Cardiovascular phenotype. Identifiers: MedGen CN230736.
DiGeorge syndrome. Also called: THIRD AND FOURTH PHARYNGEAL POUCH SYNDROME; Catch22. Identifiers: Orphanet 567, MedGen C0012236, MONDO:0008564, OMIM 188400.
Velocardiofacial syndrome (VCFS). Also called: SHPRINTZEN VCF SYNDROME; VCF SYNDROME; Shprintzen syndrome. Identifiers: Orphanet 567, MedGen C0220704, MONDO:0008644, OMIM 192430. Disease mechanism: loss of function.
Tetralogy of Fallot (TOF). Identifiers: Orphanet 3303, MedGen C0039685, MONDO:0008542, OMIM 187500, HP:0001636.
Conotruncal heart malformations (CTHM). Also called: Conotruncal heart malformations, variable. Identifiers: Orphanet 2445, Orphanet 3384, Orphanet 3426, MedGen C1857586, MONDO:0016581, OMIM 217095.

Allele frequency attached by ClinVar (database versions not stated): ExAC 0.00001; gnomAD 0.00002; TOPMed 0.00002.
gnomAD v4.1: 4 of 1,551,532 alleles (0.00026%); highest among the groups gnomAD compares: African/African-American, 0.0043%; no homozygotes.

Submissions (2):

Ambry Genetics
Classification: Likely benign for Cardiovascular phenotype. Last evaluated: 2019-12-23. Review status: criteria provided, single submitter. Criteria: Ambry Variant Classification Scheme 2023. Collection method: clinical testing. Allele origin: germline.

Center for Genomics, Ann and Robert H. Lurie Children's Hospital of Chicago
Classification: Uncertain significance for Tetralogy of Fallot; DiGeorge syndrome; Conotruncal heart malformations; Velocardiofacial syndrome. Review status: criteria provided, single submitter. Criteria: ACMG Guidelines, 2015. Collection method: clinical testing. Allele origin: germline.
Comment: TBX1 NM_080647 exon 3 p.Ala108Ala (c.324C>T): This variant has not been reported in the literature but is present in 1/8566 African alleles in the Genome Aggregation Database. Evolutionary conservation and computational predictive tools for this variant are limited or unavailable. Of note, this variant is a silent variant and does not change the amino acid, reducing the probability that this variant is disease causing. In summary, data on this variant is insufficient for disease classification. Therefore, the clinical significance of this variant is uncertain.